The following is an entry in ClinVar:

NM_022455.5(NSD1):c.6673C>G (p.Pro2225Ala)

Gene: NSD1 (nuclear receptor binding SET domain protein 1; plus strand). Cytogenetic location: 5q35.3.
Variant type: single nucleotide variant.
Coding change: c.6673C>G on transcript NM_022455.5 (MANE Select); coding-DNA position 6673, C replaced by G.
Protein change: p.Pro2225Ala; replaces proline 2225 with alanine.
Molecular consequence: missense variant.
Genome position (GRCh38, 1-based): chr5:177,294,041, C>G. VCF-style: chr5-177294041-C-G. GRCh37 (hg19) VCF-style: chr5-176721042-C-G.
Other names: c.5800C>G, p.Pro1934Ala (NM_001365684.2, NM_001409308.1, NM_172349.5); c.6673C>G, p.Pro2225Ala (NM_001409301.1, NM_001409302.1, NM_001409303.1); c.6253C>G, p.Pro2085Ala (NM_001409304.1); c.5920C>G, p.Pro1974Ala (NM_001409305.1); c.5911C>G, p.Pro1971Ala (NM_001409306.1, NM_001409307.1); c.5551C>G, p.Pro1851Ala (NM_001409309.1); short protein forms P1956A, P2225A, P1851A, P1971A, P1934A, P1974A, P2085A.
Identifiers: ClinVar variation 662346 (VCV000662346.11), dbSNP rs1418961998, ClinGen allele CA362324842.

ClinVar aggregate classification (germline): Uncertain significance. Review status: criteria provided, multiple submitters, no conflicts (2 of 4 stars). 2 submissions from 2 submitters: Uncertain significance (2). Last evaluated 2019-07-12.

Conditions:
Inborn genetic diseases. Identifiers: MedGen C0950123, MeSH D030342.

Allele frequency attached by ClinVar (database versions not stated): TOPMed below 0.00001; gnomAD 0.00001.
gnomAD v4.1: 2 of 1,613,974 alleles (0.00012%); highest among the groups gnomAD compares: Admixed American, 0.0017%; no homozygotes.

Submissions (2):

Ambry Genetics
Classification: Uncertain significance for Inborn genetic diseases. Last evaluated: 2019-07-12. Review status: criteria provided, single submitter. Criteria: Ambry Variant Classification Scheme 2023. Collection method: clinical testing. Allele origin: germline.
Comment: The p.P2225A variant (also known as c.6673C>G), located in coding exon 22 of the NSD1 gene, results from a C to G substitution at nucleotide position 6673. The proline at codon 2225 is replaced by alanine, an amino acid with highly similar properties. This amino acid position is not well conserved in available vertebrate species. In addition, this alteration is predicted to be tolerated by in silico analysis. Since supporting evidence is limited at this time, the clinical significance of this alteration remains unclear.

Labcorp Genetics (formerly Invitae), Labcorp
Classification: Uncertain significance. Last evaluated: 2018-10-18. Review status: criteria provided, single submitter. Criteria: Invitae Variant Classification Sherloc (09022015). Collection method: clinical testing. Allele origin: germline.
Comment: This sequence change replaces proline with alanine at codon 2225 of the NSD1 protein (p.Pro2225Ala). The proline residue is weakly conserved and there is a small physicochemical difference between proline and alanine. This variant is not present in population databases (ExAC no frequency). In summary, the available evidence is currently insufficient to determine the role of this variant in disease. Therefore, it has been classified as a Variant of Uncertain Significance. Algorithms developed to predict the effect of missense changes on protein structure and function (SIFT, PolyPhen-2, Align-GVGD) all suggest that this variant is likely to be tolerated, but these predictions have not been confirmed by published functional studies and their clinical significance is uncertain. This variant has not been reported in the literature in individuals with NSD1-related disease.